The following is an entry in ClinVar:

NM_001105206.3(LAMA4):c.710A>T (p.Asn237Ile)

Gene: LAMA4 (laminin subunit alpha 4; minus strand). Cytogenetic location: 6q21.
Variant type: single nucleotide variant.
Coding change: c.710A>T on transcript NM_001105206.3 (MANE Select); coding-DNA position 710, A replaced by T.
Protein change: p.Asn237Ile; replaces asparagine 237 with isoleucine.
Molecular consequence: missense variant.
Genome position (GRCh38, 1-based): chr6:112,191,644, T>A on the plus strand (A>T on the coding strand, the complement: LAMA4 is on the minus strand). VCF-style: chr6-112191644-T-A. GRCh37 (hg19) VCF-style: chr6-112512846-T-A.
Other names: c.710A>T, p.Asn237Ile (NM_001105207.3, NM_002290.5); short protein forms N237I.
Identifiers: ClinVar variation 541225 (VCV000541225.10), dbSNP rs1554349049, ClinGen allele CA365377742.

ClinVar aggregate classification (germline): Uncertain significance. Review status: criteria provided, multiple submitters, no conflicts (2 of 4 stars). 2 submissions from 2 submitters: Uncertain significance (2). Last evaluated 2019-11-04.

Conditions:
Dilated cardiomyopathy 1JJ (CMD1JJ). Identifiers: Orphanet 154, MedGen C3808935, MONDO:0014095, OMIM 615235.

Submissions (2):

GeneDx
Classification: Uncertain significance. Last evaluated: 2019-11-04. Review status: criteria provided, single submitter. Criteria: GeneDx Variant Classification Process June 2021. Collection method: clinical testing. Allele origin: germline. Affected: yes.
Comment: Has not been previously published as pathogenic or benign to our knowledge; Reported in ClinVar as a variant of uncertain significance (ClinVar Variant ID#541225; Landrum et al., 2016); Not observed in large population cohorts (Lek et al., 2016); In silico analysis, which includes protein predictors and evolutionary conservation, supports a deleterious effect

Labcorp Genetics (formerly Invitae), Labcorp
Classification: Uncertain significance for Dilated cardiomyopathy 1JJ. Last evaluated: 2017-10-26. Review status: criteria provided, single submitter. Criteria: Invitae Variant Classification Sherloc (09022015). Collection method: clinical testing. Allele origin: germline.
Comment: In summary, the available evidence is currently insufficient to determine the role of this variant in disease. Therefore, it has been classified as a Variant of Uncertain Significance. Algorithms developed to predict the effect of missense changes on protein structure and function do not agree on the potential impact of this missense change (SIFT: "Deleterious"; PolyPhen-2: "Probably Damaging"; Align-GVGD: "Class C0"). This variant has not been reported in the literature in individuals with LAMA4-related disease. This variant is not present in population databases (ExAC no frequency). This sequence change replaces asparagine with isoleucine at codon 237 of the LAMA4 protein (p.Asn237Ile). The asparagine residue is highly conserved and there is a large physicochemical difference between asparagine and isoleucine.